The following is an entry in ClinVar:

NM_001182.5(ALDH7A1):c.811T>A (p.Ser271Thr)

Gene: ALDH7A1 (aldehyde dehydrogenase 7 family member A1; minus strand). Cytogenetic location: 5q23.2.
Variant type: single nucleotide variant.
Coding change: c.811T>A on transcript NM_001182.5 (MANE Select); coding-DNA position 811, T replaced by A.
Protein change: p.Ser271Thr; replaces serine 271 with threonine.
Molecular consequence: missense variant.
Genome position (GRCh38, 1-based): chr5:126,568,319, A>T on the plus strand (T>A on the coding strand, the complement: ALDH7A1 is on the minus strand). VCF-style: chr5-126568319-A-T. GRCh37 (hg19) VCF-style: chr5-125904011-A-T.
Other names: c.727T>A, p.Ser243Thr (NM_001201377.2); c.811T>A, p.Ser271Thr (NM_001202404.2); short protein forms S271T, S243T.
Identifiers: ClinVar variation 1519231 (VCV001519231.5), dbSNP rs1299466765, ClinGen allele CA360729397.

ClinVar aggregate classification (germline): Uncertain significance (1 of 4 stars; one submission).

Conditions:
Pyridoxine-dependent epilepsy (EPEO4). Also called: Pyridoxine-Dependent Seizures; Pyridoxine-Dependent Epilepsy - ALDH7A1; PYRIDOXINE DEPENDENCY WITH SEIZURES; EPILEPSY, EARLY-ONSET, 4, VITAMIN B6-DEPENDENT. Identifiers: Orphanet 3006, MedGen C1849508, MONDO:0009945, OMIM 266100. Disease mechanism: loss of function.

Allele frequency attached by ClinVar (database versions not stated): gnomAD exomes below 0.00001; gnomAD 0.00001; TOPMed below 0.00001.
gnomAD v4.1: 1 of 1,614,022 alleles (0.000062%); highest among the groups gnomAD compares: Non-Finnish European, 0.000085%; no homozygotes.

Submission:

Labcorp Genetics (formerly Invitae), Labcorp
Classification: Uncertain significance for Pyridoxine-dependent epilepsy. Last evaluated: 2021-08-24. Review status: criteria provided, single submitter. Criteria: Invitae Variant Classification Sherloc (09022015). Collection method: clinical testing. Allele origin: germline.
Comment: This sequence change replaces serine with threonine at codon 271 of the ALDH7A1 protein (p.Ser271Thr). The serine residue is highly conserved and there is a small physicochemical difference between serine and threonine. This variant is not present in population databases (ExAC no frequency). This variant has not been reported in the literature in individuals affected with ALDH7A1-related conditions. Advanced modeling of protein sequence and biophysical properties (such as structural, functional, and spatial information, amino acid conservation, physicochemical variation, residue mobility, and thermodynamic stability) performed at Invitae indicates that this missense variant is expected to disrupt ALDH7A1 protein function. In summary, the available evidence is currently insufficient to determine the role of this variant in disease. Therefore, it has been classified as a Variant of Uncertain Significance.